The following is an entry in ClinVar:

ClinVar aggregate classification (germline): Likely benign. Review status: criteria provided, multiple submitters, no conflicts (2 of 4 stars). 7 submissions from 7 submitters: Likely benign (6). 1 of the submissions does not count toward it. Last evaluated 2026-02-10.

Conditions:
COL9A3-related disorder. Also called: COL9A3-related condition.

Allele frequency attached by ClinVar (database versions not stated): ESP Exome Variant Server 0.00015; gnomAD 0.00016 and 0.00017; gnomAD exomes 0.00021 and 0.00034; TOPMed 0.00025; ExAC 0.00042.
gnomAD v4.1: 331 of 1,611,928 alleles (0.021%); highest among the groups gnomAD compares: Middle Eastern, 0.18%; 1 homozygote.

Submissions (7):

Women's Health and Genetics/Laboratory Corporation of America, LabCorp
Classification: Likely benign. Last evaluated: 2026-02-10. Review status: criteria provided, single submitter. Criteria: LabCorp Variant Classification Summary - May 2015. Collection method: clinical testing. Allele origin: germline.
Comment: Variant summary: COL9A3 c.1876G>A (p.Val626Met) results in a conservative amino acid change in the encoded protein sequence. Algorithms developed to predict the effect of missense changes on protein structure and function are either unavailable or do not agree on the potential impact of this missense change. The variant allele was found at a frequency of 0.0002 in 1606122 control chromosomes, predominantly at a frequency of 0.0018 within the South Asian subpopulation in the gnomAD database, including 1 homozygote. To our knowledge, no occurrence of c.1876G>A in individuals affected with COL9A3-related conditions and no experimental evidence demonstrating its impact on protein function have been reported. ClinVar contains an entry for this variant (Variation ID: 804595). Based on the evidence outlined above, the variant was classified as likely benign.

Labcorp Genetics (formerly Invitae), Labcorp
Classification: Likely benign. Last evaluated: 2026-01-23. Review status: criteria provided, single submitter. Criteria: Invitae Variant Classification Sherloc (09022015). Collection method: clinical testing. Allele origin: germline.

Blueprint Genetics
Classification: Likely benign. Last evaluated: 2024-09-09. Review status: criteria provided, single submitter. Criteria: ACMG Guidelines, 2015. Collection method: clinical testing. Allele origin: germline.

GeneDx
Classification: Likely benign. Last evaluated: 2021-02-09. Review status: criteria provided, single submitter. Criteria: GeneDx Variant Classification Process June 2021. Collection method: clinical testing. Allele origin: germline. Affected: yes.
Comment: In silico analysis, which includes protein predictors and evolutionary conservation, supports that this variant does not alter protein structure/function; Has not been previously published as pathogenic or benign to our knowledge

Athena Diagnostics
Classification: Likely benign. Last evaluated: 2019-07-08. Review status: criteria provided, single submitter. Criteria: Athena Diagnostics Criteria. Collection method: clinical testing. Allele origin: germline.

Breakthrough Genomics
Classification: Likely benign. Review status: criteria provided, single submitter. Criteria: ACMG Guidelines, 2015. Collection method: not provided. Allele origin: germline. Inheritance: Autosomal recessive inheritance. Affected: yes.

PreventionGenetics, part of Exact Sciences
Classification: Likely benign for COL9A3-related condition. Last evaluated: 2023-08-15. Review status: no assertion criteria provided. Collection method: clinical testing. Allele origin: germline. Not counted in ClinVar's aggregate classification.
Comment: This variant is classified as likely benign based on ACMG/AMP sequence variant interpretation guidelines (Richards et al. 2015 PMID: 25741868, with internal and published modifications).

NM_001853.4(COL9A3):c.1876G>A (p.Val626Met)

Gene: COL9A3 (collagen type IX alpha 3 chain; plus strand). Cytogenetic location: 20q13.33.
Variant type: single nucleotide variant.
Coding change: c.1876G>A on transcript NM_001853.4 (MANE Select); coding-DNA position 1876, G replaced by A.
Protein change: p.Val626Met; replaces valine 626 with methionine.
Molecular consequence: missense variant.
Genome position (GRCh38, 1-based): chr20:62,840,553, G>A. VCF-style: chr20-62840553-G-A. GRCh37 (hg19) VCF-style: chr20-61471905-G-A.
Other names: short protein forms V626M.
Identifiers: ClinVar variation 804595 (VCV000804595.16), dbSNP rs146407922, ClinGen allele CA9950246.